The following is an entry in ClinVar:

ClinVar aggregate classification (germline): Conflicting classifications of pathogenicity. Review status: criteria provided, conflicting classifications (1 of 4 stars). 2 submissions from 2 submitters: Uncertain significance (1); Likely benign (1). Last evaluated 2024-08-16.

Conditions:
Hereditary cancer-predisposing syndrome. Also called: Tumor predisposition; Hereditary neoplastic syndrome; Hereditary Cancer Syndrome; Neoplastic Syndromes, Hereditary. Identifiers: Orphanet 140162, MedGen C0027672, MeSH D009386, MONDO:0015356.
Hereditary breast ovarian cancer syndrome. Also called: Hereditary breast and/or ovarian cancer syndrome; Breast and ovarian cancer; Hereditary breast and ovarian cancer syndrome; Hereditary breast and ovarian cancer; Hereditary breast and ovarian cancer syndrome (HBOC); BRCA1- and BRCA2-Associated Hereditary Breast and Ovarian Cancer. Identifiers: Orphanet 145, MedGen C0677776, MeSH D061325, MONDO:0003582. Disease mechanism: loss of function.

Submissions (3):

Labcorp Genetics (formerly Invitae), Labcorp
Classification: Uncertain significance for Hereditary breast ovarian cancer syndrome. Last evaluated: 2024-08-16. Review status: criteria provided, single submitter. Criteria: Invitae Variant Classification Sherloc (09022015). Collection method: clinical testing. Allele origin: germline.
Comment: This sequence change replaces phenylalanine, which is neutral and non-polar, with isoleucine, which is neutral and non-polar, at codon 1668 of the BRCA1 protein (p.Phe1668Ile). This variant is not present in population databases (gnomAD no frequency). This variant has not been reported in the literature in individuals affected with BRCA1-related conditions. ClinVar contains an entry for this variant (Variation ID: 141071). Invitae Evidence Modeling incorporating data from in vitro experimental studies (PMID: 30209399) indicates that this missense variant is not expected to disrupt BRCA1 function with a negative predictive value of 95%. Experimental studies have shown that this missense change does not substantially affect BRCA1 function (PMID: 30209399). In summary, the available evidence is currently insufficient to determine the role of this variant in disease. Therefore, it has been classified as a Variant of Uncertain Significance.

Ambry Genetics
Classification: Likely benign for Hereditary cancer-predisposing syndrome. Last evaluated: 2022-12-08. Review status: criteria provided, single submitter. Criteria: Ambry Variant Classification Scheme 2023. Collection method: clinical testing. Allele origin: germline.

Brotman Baty Institute, University of Washington
No classification provided (evidence only). Condition: Breast-ovarian cancer, familial 1. Review status: no classification provided. Collection method: in vitro. Allele origin: not applicable. Functional consequence: functionally_normal. Not counted in ClinVar's aggregate classification.
ClinVar note: "not provided" was previously submitted as the classification for the variant. However, the classification appeared to be based only on an observation of functional data so it was converted to no classification on 2025-07-30.

Literature cited by the submitters: PubMed 30209399 (cited by Labcorp Genetics (formerly Invitae), Labcorp and Ambry Genetics).

NM_007294.4(BRCA1):c.5002T>A (p.Phe1668Ile)

Gene: BRCA1 (BRCA1 DNA repair associated; minus strand). Cytogenetic location: 17q21.31.
Variant type: single nucleotide variant.
Coding change: c.5002T>A on transcript NM_007294.4 (MANE Select); coding-DNA position 5002, T replaced by A.
Protein change: p.Phe1668Ile; replaces phenylalanine 1668 with isoleucine.
Molecular consequence: missense variant. On other transcripts: non-coding transcript variant (1).
Genome position (GRCh38, 1-based): chr17:43,067,680, A>T on the plus strand (T>A on the coding strand, the complement: BRCA1 is on the minus strand). VCF-style: chr17-43067680-A-T. GRCh37 (hg19) VCF-style: chr17-41219697-A-T.
Other names: c.4789T>A, p.Phe1597Ile (NM_001407571.1, NM_001407894.1, NM_001407895.1 and 12 more transcripts); c.5068T>A, p.Phe1690Ile (NM_001407581.1, NM_001407582.1); c.5065T>A, p.Phe1689Ile (NM_001407583.1, NM_001407585.1, NM_001407587.1 and 1 more transcripts); c.5062T>A, p.Phe1688Ile (NM_001407590.1, NM_001407591.1); c.5002T>A, p.Phe1668Ile (NM_001407593.1, NM_001407594.1, NM_001407596.1 and 8 more transcripts); c.4999T>A, p.Phe1667Ile (NM_001407616.1, NM_001407617.1, NM_001407618.1 and 17 more transcripts); c.4996T>A, p.Phe1666Ile (NM_001407635.1, NM_001407636.1, NM_001407637.1 and 14 more transcripts); c.4993T>A, p.Phe1665Ile (NM_001407644.1, NM_001407645.1); and 70 more; short protein forms F1668I, F1621I, F1689I, F564I, F1371I, F1555I, F1557I, F1596I.
Identifiers: ClinVar variation 141071 (VCV000141071.16), dbSNP rs587781472, ClinGen allele CA003150.